The following is an entry in ClinVar:

ClinVar aggregate classification (germline): Uncertain significance. Review status: criteria provided, multiple submitters, no conflicts (2 of 4 stars). 2 submissions from 2 submitters: Uncertain significance (2). Last evaluated 2025-04-29.

Conditions:
Inborn genetic diseases. Identifiers: MedGen C0950123, MeSH D030342.
Bardet-Biedl syndrome (BBS). Identifiers: Orphanet 110, MedGen C0752166, MONDO:0015229.

Allele frequency attached by ClinVar (database versions not stated): gnomAD exomes below 0.00001; gnomAD 0.00001; TOPMed 0.00001.
gnomAD v4.1: 3 of 1,613,894 alleles (0.00019%); highest among the groups gnomAD compares: African/African-American, 0.0027%; no homozygotes.

Submissions (2):

Ambry Genetics
Classification: Uncertain significance for Inborn genetic diseases. Last evaluated: 2025-04-29. Review status: criteria provided, single submitter. Criteria: Ambry Variant Classification Scheme 2023. Collection method: clinical testing. Allele origin: germline.

Labcorp Genetics (formerly Invitae), Labcorp
Classification: Uncertain significance for Bardet-Biedl syndrome. Last evaluated: 2022-05-17. Review status: criteria provided, single submitter. Criteria: Invitae Variant Classification Sherloc (09022015). Collection method: clinical testing. Allele origin: germline.
Comment: This variant has not been reported in the literature in individuals affected with BBS2-related conditions. This sequence change replaces serine, which is neutral and polar, with arginine, which is basic and polar, at codon 642 of the BBS2 protein (p.Ser642Arg). This variant is present in population databases (no rsID available, gnomAD 0.008%). Algorithms developed to predict the effect of missense changes on protein structure and function output the following: SIFT: "Tolerated"; PolyPhen-2: "Benign"; Align-GVGD: "Class C0". The arginine amino acid residue is found in multiple mammalian species, which suggests that this missense change does not adversely affect protein function. In summary, the available evidence is currently insufficient to determine the role of this variant in disease. Therefore, it has been classified as a Variant of Uncertain Significance.

NM_031885.5(BBS2):c.1924A>C (p.Ser642Arg)

Gene: BBS2 (Bardet-Biedl syndrome 2; minus strand). Cytogenetic location: 16q13.
Variant type: single nucleotide variant.
Coding change: c.1924A>C on transcript NM_031885.5 (MANE Select); coding-DNA position 1924, A replaced by C.
Protein change: p.Ser642Arg; replaces serine 642 with arginine.
Molecular consequence: missense variant. On other transcripts: non-coding transcript variant (5).
Genome position (GRCh38, 1-based): chr16:56,485,725, T>G on the plus strand (A>C on the coding strand, the complement: BBS2 is on the minus strand). VCF-style: chr16-56485725-T-G. GRCh37 (hg19) VCF-style: chr16-56519637-T-G.
Other names: c.1924A>C, p.Ser642Arg (NM_001377456.1); c.1924A>C (NM_031885.3); short protein forms S642R.
Identifiers: ClinVar variation 2169176 (VCV002169176.3), dbSNP rs1473211343, ClinGen allele CA395973724.